The following is an entry in ClinVar:

ClinVar aggregate classification (germline): Likely benign. Review status: criteria provided, multiple submitters, no conflicts (2 of 4 stars). 2 submissions from 2 submitters: Likely benign (2). Last evaluated 2025-05-05.

Conditions:
Breast-ovarian cancer, familial, susceptibility to, 4. Identifiers: Orphanet 145, MedGen C3280345, MONDO:0013669, OMIM 614291.

Allele frequency attached by ClinVar (database versions not stated): ExAC 0.00002.
gnomAD v4.1: 3 of 1,605,126 alleles (0.00019%); highest among the groups gnomAD compares: East Asian, 0.0022%; no homozygotes.

Submissions (2):

Labcorp Genetics (formerly Invitae), Labcorp
Classification: Likely benign for Breast-ovarian cancer, familial, susceptibility to, 4. Last evaluated: 2025-05-05. Review status: criteria provided, single submitter. Criteria: Invitae Variant Classification Sherloc (09022015). Collection method: clinical testing. Allele origin: germline.

Myriad Genetics, Inc.
Classification: Likely benign for Breast-ovarian cancer, familial, susceptibility to, 4. Last evaluated: 2025-02-24. Review status: criteria provided, single submitter. Criteria: Myriad Autosomal Dominant, Autosomal Recessive and X-Linked Classification Criteria (2023). Collection method: clinical testing. Allele origin: unknown.
Comment: This variant is considered likely benign. This variant is intronic and is not expected to impact mRNA splicing.

NM_002878.4(RAD51D):c.738+10C>T

Genes: RAD51L3-RFFL (RAD51L3-RFFL readthrough; minus strand), RAD51D (RAD51 paralog D; minus strand). Cytogenetic location: 17q12.
Variant type: single nucleotide variant.
Coding change: c.738+10C>T on transcript NM_002878.4 (MANE Select); 10 bases into the intron after coding-DNA position 738, C replaced by T.
Molecular consequence: intron variant.
Genome position (GRCh38, 1-based): chr17:35,103,244, G>A on the plus strand (C>T on the coding strand, the complement: RAD51D is on the minus strand). VCF-style: chr17-35103244-G-A. GRCh37 (hg19) VCF-style: chr17-33430263-G-A.
Other names: c.402+10C>T (NM_133629.3); c.798+10C>T (NM_001142571.2).
Identifiers: ClinVar variation 949509 (VCV000949509.7), dbSNP rs777453585, ClinGen allele CA8499371.
Genomic context (GRCh38, chr17:35,103,244, plus strand): 5'-GACATTTAAGGGAAATAAAGAGCTCGCAATAACTAGAAATCAAGTTCATTGGCCAAGCCT[G>A]CTTCCTCACCACCACTGCCATGCCAAGGTCCCGGGCCAGGGTCTTCAGCTCTCGGGCCAG-3'